The following is an entry in ClinVar:

NM_006506.5(RASA2):c.1565C>G (p.Thr522Ser)

Gene: RASA2 (RAS p21 protein activator 2; plus strand). Cytogenetic location: 3q23.
Variant type: single nucleotide variant.
Coding change: c.1565C>G on transcript NM_006506.5 (MANE Select); coding-DNA position 1565, C replaced by G.
Protein change: p.Thr522Ser; replaces threonine 522 with serine.
Molecular consequence: missense variant.
Genome position (GRCh38, 1-based): chr3:141,577,081, C>G. VCF-style: chr3-141577081-C-G. GRCh37 (hg19) VCF-style: chr3-141295923-C-G.
Other names: c.1565C>G, p.Thr522Ser (NM_001303245.3, NM_001303246.3); short protein forms T522S.
Identifiers: ClinVar variation 2789313 (VCV002789313.3), dbSNP rs755376853, ClinGen allele CA2645542.

ClinVar aggregate classification (germline): Uncertain significance (1 of 4 stars; one submission).

Allele frequency attached by ClinVar (database versions not stated): gnomAD 0.00001; TOPMed 0.00001; gnomAD exomes below 0.00001; ExAC 0.00001.
gnomAD v4.1: 4 of 1,607,382 alleles (0.00025%); highest among the groups gnomAD compares: Non-Finnish European, 0.00034%; no homozygotes.

Submission:

Labcorp Genetics (formerly Invitae), Labcorp
Classification: Uncertain significance. Last evaluated: 2023-12-02. Review status: criteria provided, single submitter. Criteria: Invitae Variant Classification Sherloc (09022015). Collection method: clinical testing. Allele origin: germline.
Comment: This sequence change replaces threonine, which is neutral and polar, with serine, which is neutral and polar, at codon 522 of the RASA2 protein (p.Thr522Ser). This variant is present in population databases (rs755376853, gnomAD 0.0009%). This variant has not been reported in the literature in individuals affected with RASA2-related conditions. Advanced modeling of protein sequence and biophysical properties (such as structural, functional, and spatial information, amino acid conservation, physicochemical variation, residue mobility, and thermodynamic stability) performed at Invitae indicates that this missense variant is not expected to disrupt RASA2 protein function with a negative predictive value of 80%. In summary, the available evidence is currently insufficient to determine the role of this variant in disease. Therefore, it has been classified as a Variant of Uncertain Significance.